The following is an entry in ClinVar:

NM_015559.3(SETBP1):c.161G>A (p.Arg54His)

Gene: SETBP1 (SET binding protein 1; plus strand). Cytogenetic location: 18q12.3.
Variant type: single nucleotide variant.
Coding change: c.161G>A on transcript NM_015559.3 (MANE Select); coding-DNA position 161, G replaced by A.
Protein change: p.Arg54His; replaces arginine 54 with histidine.
Molecular consequence: missense variant.
Genome position (GRCh38, 1-based): chr18:44,701,507, G>A. VCF-style: chr18-44701507-G-A. GRCh37 (hg19) VCF-style: chr18-42281472-G-A.
Other names: c.161G>A, p.Arg54His (NM_001130110.2, NM_001379141.1, NM_001379142.1); c.161G>A (NM_015559.2); short protein forms R54H.
Identifiers: ClinVar variation 1600376 (VCV001600376.12), dbSNP rs140717709, ClinGen allele CA8945342.
Genomic context (GRCh38, chr18:44,701,507, plus strand): 5'-CAGGAGAACCTTTGCTCTCCACTCCAGGACCTGGGAAGGGGATCCCGGTGGGCGGAGAGC[G>A]CATGGAGCCAGAGGAGGAGGATGAACTAGGCTCAGGGCGGGATGTGGATTCCAACTCCAA-3'
Protein context (NP_056374.2, residues 44-64): PGKGIPVGGE[Arg54His]MEPEEEDELG

ClinVar aggregate classification (germline): Benign/Likely benign. Review status: criteria provided, multiple submitters, no conflicts (2 of 4 stars). 4 submissions from 4 submitters: Benign (1); Likely benign (2). 1 of the submissions does not count toward it. Last evaluated 2025-10-29.

Conditions:
SETBP1-related disorder. Also called: SETBP1-related condition; SETBP1-related disorders.

Allele frequency attached by ClinVar (database versions not stated): TOPMed 0.00019; ESP Exome Variant Server 0.00023; 1000 Genomes Project 0.00120; 1000 Genomes Project 30x 0.00125.
gnomAD v4.1: 340 of 1,613,904 alleles (0.021%); highest among the groups gnomAD compares: African/African-American, 0.028%; 1 homozygote.

Submissions (4):

Labcorp Genetics (formerly Invitae), Labcorp
Classification: Benign. Last evaluated: 2025-10-29. Review status: criteria provided, single submitter. Criteria: Invitae Variant Classification Sherloc (09022015). Collection method: clinical testing. Allele origin: germline.

Blueprint Genetics
Classification: Likely benign. Last evaluated: 2024-09-05. Review status: criteria provided, single submitter. Criteria: ACMG Guidelines, 2015. Collection method: clinical testing. Allele origin: germline.

GeneDx
Classification: Likely benign. Last evaluated: 2020-10-13. Review status: criteria provided, single submitter. Criteria: GeneDx Variant Classification Process June 2021. Collection method: clinical testing. Allele origin: germline. Affected: yes.
Comment: See Variant Classification Assertion Criteria.

PreventionGenetics, part of Exact Sciences
Classification: Likely benign for SETBP1-related condition. Last evaluated: 2019-03-28. Review status: no assertion criteria provided. Collection method: clinical testing. Allele origin: germline. Not counted in ClinVar's aggregate classification.
Comment: This variant is classified as likely benign based on ACMG/AMP sequence variant interpretation guidelines (Richards et al. 2015 PMID: 25741868, with internal and published modifications).